The following is an entry in ClinVar:

NM_002528.7(NTHL1):c.113C>G (p.Ala38Gly)

Gene: NTHL1 (nth like DNA glycosylase 1; minus strand). Cytogenetic location: 16p13.3.
Variant type: single nucleotide variant.
Coding change: c.113C>G on transcript NM_002528.7 (MANE Select); coding-DNA position 113, C replaced by G.
Protein change: p.Ala38Gly; replaces alanine 38 with glycine.
Molecular consequence: missense variant. On other transcripts: 5 prime UTR variant (1).
Genome position (GRCh38, 1-based): chr16:2,047,711, G>C on the plus strand (C>G on the coding strand, the complement: NTHL1 is on the minus strand). VCF-style: chr16-2047711-G-C. GRCh37 (hg19) VCF-style: chr16-2097712-G-C.
Other names: c.113C>G, p.Ala38Gly (NM_001318193.2); c.-66C>G (NM_001318194.2); short protein forms A38G.
Identifiers: ClinVar variation 1039780 (VCV001039780.7), dbSNP rs202082304, ClinGen allele CA394298220.

ClinVar aggregate classification (germline): Uncertain significance (1 of 4 stars; one submission).

Submission:

Labcorp Genetics (formerly Invitae), Labcorp
Classification: Uncertain significance. Last evaluated: 2020-05-13. Review status: criteria provided, single submitter. Criteria: Invitae Variant Classification Sherloc (09022015). Collection method: clinical testing. Allele origin: germline.
Comment: This sequence change replaces alanine with glycine at codon 46 of the NTHL1 protein (p.Ala46Gly). The alanine residue is weakly conserved and there is a small physicochemical difference between alanine and glycine. The frequency data for this variant in the population databases is considered unreliable, as metrics indicate insufficient coverage at this position in the ExAC database. This variant has not been reported in the literature in individuals with NTHL1-related conditions. Algorithms developed to predict the effect of missense changes on protein structure and function are either unavailable or do not agree on the potential impact of this missense change (SIFT: "Not Available"; PolyPhen-2: "Benign"; Align-GVGD: "Not Available"). In summary, the available evidence is currently insufficient to determine the role of this variant in disease. Therefore, it has been classified as a Variant of Uncertain Significance.